The following is an entry in ClinVar:

NM_018943.3(TUBA8):c.1186G>A (p.Asp396Asn)

Gene: TUBA8 (tubulin alpha 8; plus strand). Cytogenetic location: 22q11.21.
Variant type: single nucleotide variant.
Coding change: c.1186G>A on transcript NM_018943.3 (MANE Select); coding-DNA position 1186, G replaced by A.
Protein change: p.Asp396Asn; replaces aspartic acid 396 with asparagine.
Molecular consequence: missense variant.
Genome position (GRCh38, 1-based): chr22:18,130,972, G>A. VCF-style: chr22-18130972-G-A. GRCh37 (hg19) VCF-style: chr22-18613739-G-A.
Other names: c.988G>A, p.Asp330Asn (NM_001193414.2); short protein forms D396N, D330N.
Identifiers: ClinVar variation 2969400 (VCV002969400.3), dbSNP rs146821364, ClinGen allele CA410266924.

ClinVar aggregate classification (germline): Uncertain significance (1 of 4 stars; one submission).

gnomAD v4.1: 6 of 1,614,124 alleles (0.00037%); highest among the groups gnomAD compares: Non-Finnish European, 0.00034%; no homozygotes.

Submission:

Labcorp Genetics (formerly Invitae), Labcorp
Classification: Uncertain significance. Last evaluated: 2023-04-17. Review status: criteria provided, single submitter. Criteria: Invitae Variant Classification Sherloc (09022015). Collection method: clinical testing. Allele origin: germline.
Comment: Advanced modeling of protein sequence and biophysical properties (such as structural, functional, and spatial information, amino acid conservation, physicochemical variation, residue mobility, and thermodynamic stability) has been performed at Invitae for this missense variant, however the output from this modeling did not meet the statistical confidence thresholds required to predict the impact of this variant on TUBA8 protein function. This variant has not been reported in the literature in individuals affected with TUBA8-related conditions. This variant is present in population databases (no rsID available, gnomAD 0.0009%). This sequence change replaces aspartic acid, which is acidic and polar, with asparagine, which is neutral and polar, at codon 396 of the TUBA8 protein (p.Asp396Asn). In summary, the available evidence is currently insufficient to determine the role of this variant in disease. Therefore, it has been classified as a Variant of Uncertain Significance.